The following is an entry in ClinVar:

NM_000038.6(APC):c.3880_3881del (p.Gln1294fs)

Gene: APC (APC regulator of Wnt signaling pathway; plus strand). Cytogenetic location: 5q22.2.
Variant type: Microsatellite.
Coding change: c.3880_3881del on transcript NM_000038.6 (MANE Select); coding-DNA positions 3880 to 3881, 2 bases deleted (CA; older notation c.3880_3881delCA).
Protein change: p.Gln1294fs; shifts the reading frame from glutamine 1294.
Molecular consequence: frameshift variant. On other transcripts: non-coding transcript variant (2).
Genome position (GRCh38, 1-based): chr5:112,839,474-112,839,475, CA deleted; deleting any 2 consecutive bases within chr5:112,839,471-112,839,475 gives the same sequence; the c. name uses the placement nearest the transcript's 3' end. VCF-style (leftmost placement, unchanged base first): chr5-112839470-GAC-G. GRCh37 (hg19) VCF-style: chr5-112175167-GAC-G.
Other names: c.3850_3851del, p.Gln1284fs (NM_001407452.1); c.3703_3704del, p.Gln1235fs (NM_001407453.1, NM_001354901.2); c.3631_3632del, p.Gln1211fs (NM_001407454.1, NM_001407455.1, NM_001407456.1 and 1 more transcripts); c.3031_3032del, p.Gln1011fs (NM_001407470.1, NM_001354906.2); c.2728_2729del, p.Gln910fs (NM_001407471.1, NM_001407472.1); c.3577_3578del, p.Gln1193fs (NM_001407458.1, NM_001407459.1, NM_001407460.1 and 1 more transcripts); c.3493_3494del, p.Gln1165fs (NM_001407467.1, NM_001407469.1); c.3880_3881del, p.Gln1294fs (NM_001127510.3, NM_001354895.2, NM_001407450.1); and 11 more; short protein forms Q1203fs, Q1235fs, Q1266fs, Q1322fs, Q1134fs, Q1168fs, Q1193fs, Q1294fs.
Identifiers: ClinVar variation 3720644 (VCV003720644.2).

ClinVar aggregate classification (germline): Pathogenic (1 of 4 stars; one submission).

Conditions:
Familial adenomatous polyposis 1 (FAP1). Also called: FAMILIAL ADENOMATOUS POLYPOSIS 1, ATTENUATED; POLYPOSIS, ADENOMATOUS INTESTINAL. Identifiers: MedGen C2713442, MONDO:0021056, OMIM 175100. Disease mechanism: loss of function.

Submission:

Labcorp Genetics (formerly Invitae), Labcorp
Classification: Pathogenic for Familial adenomatous polyposis 1. Last evaluated: 2024-09-04. Review status: criteria provided, single submitter. Criteria: Invitae Variant Classification Sherloc (09022015). Collection method: clinical testing. Allele origin: germline.
Comment: This sequence change creates a premature translational stop signal (p.Gln1294Glyfs*6) in the APC gene. While this is not anticipated to result in nonsense mediated decay, it is expected to disrupt the last 1550 amino acid(s) of the APC protein. This variant is not present in population databases (gnomAD no frequency). This premature translational stop signal has been observed in individual(s) with familial adenomatous polyposis (PMID: 23561487). A different truncation (p.Tyr2645Lysfs*14) that lies downstream of this variant has been determined to be pathogenic (PMID: 9824584, 1316610, 27081525, 8381579, 22135120, internal data). This suggests that deletion of this region of the APC protein is causative of disease. This variant is expected to disrupt the EB1 and HDLG binding sites, which mediate interactions with the cytoskeleton (PMID: 15311282, 17293347). While functional studies have not been performed to directly test the effect on APC protein function, this suggests that disruption of the C-terminal portion of the protein is functionally important. For these reasons, this variant has been classified as Pathogenic.

Literature cited by the submitters: PubMed 23561487; PubMed 9824584; PubMed 1316610; PubMed 27081525; PubMed 8381579; PubMed 22135120; PubMed 15311282; PubMed 17293347.